The following is an entry in ClinVar:

NM_001079843.3(CASZ1):c.3293C>A (p.Ser1098Tyr)

Gene: CASZ1 (castor zinc finger 1; minus strand). Cytogenetic location: 1p36.22.
Variant type: single nucleotide variant.
Coding change: c.3293C>A on transcript NM_001079843.3 (MANE Select); coding-DNA position 3293, C replaced by A.
Protein change: p.Ser1098Tyr; replaces serine 1098 with tyrosine.
Molecular consequence: missense variant.
Genome position (GRCh38, 1-based): chr1:10,648,005, G>T on the plus strand (C>A on the coding strand, the complement: CASZ1 is on the minus strand). VCF-style: chr1-10648005-G-T. GRCh37 (hg19) VCF-style: chr1-10708062-G-T.
Other names: c.3293C>A, p.Ser1098Tyr (NM_017766.5); short protein forms S1098Y.
Identifiers: ClinVar variation 1485409 (VCV001485409.6), dbSNP rs1383075848, ClinGen allele CA338357105.

ClinVar aggregate classification (germline): Uncertain significance (1 of 4 stars; one submission).

Allele frequency attached by ClinVar (database versions not stated): TOPMed below 0.00001; gnomAD exomes below 0.00001.

Submission:

Labcorp Genetics (formerly Invitae), Labcorp
Classification: Uncertain significance. Last evaluated: 2025-09-15. Review status: criteria provided, single submitter. Criteria: Invitae Variant Classification Sherloc (09022015). Collection method: clinical testing. Allele origin: germline.
Comment: This sequence change replaces serine, which is neutral and polar, with tyrosine, which is neutral and polar, at codon 1098 of the CASZ1 protein (p.Ser1098Tyr). This variant is present in population databases (no rsID available, gnomAD 0.01%). This variant has not been reported in the literature in individuals affected with CASZ1-related conditions. ClinVar contains an entry for this variant (Variation ID: 1485409). An algorithm developed to predict the effect of missense changes on protein structure and function (PolyPhen-2) suggests that this variant is likely to be disruptive. In summary, the available evidence is currently insufficient to determine the role of this variant in disease. Therefore, it has been classified as a Variant of Uncertain Significance.